The following is an entry in ClinVar:

Conditions:
Long QT syndrome 5 (LQT5). Identifiers: Orphanet 101016, Orphanet 768, MedGen C1867904, MONDO:0013372, OMIM 613695.

Submission:

Roden Lab, Vanderbilt University Medical Center
No classification provided (evidence only). Condition: Long QT syndrome 5. Review status: no classification provided. Collection method: in vitro. Allele origin: not applicable. Functional consequence: Effect on ion channel function.
ClinVar note: "not provided" was previously submitted as the classification for the variant. However, the classification appeared to be based only on an observation of functional data so it was converted to no classification on 2025-07-30.

NM_000219.6(KCNE1):c.131C>T (p.Ala44Val)

Gene: KCNE1 (potassium voltage-gated channel subfamily E regulatory subunit 1; minus strand). Cytogenetic location: 21q22.12.
Variant type: single nucleotide variant.
Coding change: c.131C>T on transcript NM_000219.6 (MANE Select); coding-DNA position 131, C replaced by T.
Protein change: p.Ala44Val; replaces alanine 44 with valine.
Molecular consequence: missense variant.
Genome position (GRCh38, 1-based): chr21:34,449,504, G>A on the plus strand (C>T on the coding strand, the complement: KCNE1 is on the minus strand). VCF-style: chr21-34449504-G-A. GRCh37 (hg19) VCF-style: chr21-35821802-G-A.
Other names: c.131C>T, p.Ala44Val (NM_001127668.4, NM_001127669.4, NM_001127670.4 and 4 more transcripts); short protein forms A44V.
Identifiers: ClinVar variation 3374129 (VCV003374129.2).